The following is an entry in ClinVar:

NM_000540.3(RYR1):c.2018T>C (p.Phe673Ser)

Gene: RYR1 (ryanodine receptor 1; plus strand). Cytogenetic location: 19q13.2.
Variant type: single nucleotide variant.
Coding change: c.2018T>C on transcript NM_000540.3 (MANE Select); coding-DNA position 2018, T replaced by C.
Protein change: p.Phe673Ser; replaces phenylalanine 673 with serine.
Molecular consequence: missense variant.
Genome position (GRCh38, 1-based): chr19:38,458,143, T>C. VCF-style: chr19-38458143-T-C. GRCh37 (hg19) VCF-style: chr19-38948783-T-C.
Other names: c.2018T>C, p.Phe673Ser (NM_001042723.2); short protein forms F673S.
Identifiers: ClinVar variation 5009461 (VCV005009461.1).

ClinVar aggregate classification (germline): Uncertain significance (1 of 4 stars; one submission).

gnomAD v4.1: 2 of 1,613,938 alleles (0.00012%); highest among the groups gnomAD compares: South Asian, 0.0022%; no homozygotes.

Submission:

GeneDx
Classification: Uncertain significance. Last evaluated: 2026-03-19. Review status: criteria provided, single submitter. Criteria: GeneDx Variant Classification Process June 2021. Collection method: clinical testing. Allele origin: germline.
Comment: Not observed at significant frequency in large population cohorts (gnomAD); In silico analysis supports that this missense variant has a deleterious effect on protein structure/function; Has not been previously published as pathogenic or benign to our knowledge